The following is an entry in ClinVar:

ClinVar aggregate classification (germline): Uncertain significance. Review status: criteria provided, multiple submitters, no conflicts (2 of 4 stars). 2 submissions from 2 submitters: Uncertain significance (2). Last evaluated 2025-05-18.

Conditions:
Cardiovascular phenotype. Identifiers: MedGen CN230736.

Allele frequency attached by ClinVar (database versions not stated): gnomAD 0.00001; gnomAD exomes 0.00001; TOPMed 0.00001.
gnomAD v4.1: 18 of 1,550,306 alleles (0.0012%); highest among the groups gnomAD compares: Middle Eastern, 0.017%; no homozygotes.

Submissions (2):

Labcorp Genetics (formerly Invitae), Labcorp
Classification: Uncertain significance. Last evaluated: 2025-05-18. Review status: criteria provided, single submitter. Criteria: Invitae Variant Classification Sherloc (09022015). Collection method: clinical testing. Allele origin: germline.
Comment: This sequence change replaces proline, which is neutral and non-polar, with leucine, which is neutral and non-polar, at codon 3524 of the ZNF469 protein (p.Pro3524Leu). This variant is present in population databases (no rsID available, gnomAD 0.005%). This variant has not been reported in the literature in individuals affected with ZNF469-related conditions. ClinVar contains an entry for this variant (Variation ID: 1778791). An algorithm developed to predict the effect of missense changes on protein structure and function outputs the following: PolyPhen-2: "Probably Damaging". The leucine amino acid residue is found in multiple mammalian species, which suggests that this missense change does not adversely affect protein function. In summary, the available evidence is currently insufficient to determine the role of this variant in disease. Therefore, it has been classified as a Variant of Uncertain Significance.

Ambry Genetics
Classification: Uncertain significance for Cardiovascular phenotype. Last evaluated: 2023-09-20. Review status: criteria provided, single submitter. Criteria: Ambry Variant Classification Scheme 2023. Collection method: clinical testing. Allele origin: germline.

NM_001367624.2(ZNF469):c.10655C>T (p.Pro3552Leu)

Gene: ZNF469 (zinc finger protein 469; plus strand). Cytogenetic location: 16q24.2.
Variant type: single nucleotide variant.
Coding change: c.10655C>T on transcript NM_001367624.2 (MANE Select); coding-DNA position 10655, C replaced by T.
Protein change: p.Pro3552Leu; replaces proline 3552 with leucine.
Molecular consequence: missense variant.
Genome position (GRCh38, 1-based): chr16:88,438,125, C>T. VCF-style: chr16-88438125-C-T. GRCh37 (hg19) VCF-style: chr16-88504533-C-T.
Other names: NM_001127464.1:c.10571C>T; short protein forms P3552L.
Identifiers: ClinVar variation 1778791 (VCV001778791.5), dbSNP rs1437691264, ClinGen allele CA397127429.